The following is an entry in ClinVar:

NM_001377540.1(SLMAP):c.1378A>G (p.Lys460Glu)

Gene: SLMAP (sarcolemma associated protein; plus strand). Cytogenetic location: 3p14.3.
Variant type: single nucleotide variant.
Coding change: c.1378A>G on transcript NM_001377540.1 (MANE Select); coding-DNA position 1378, A replaced by G.
Protein change: p.Lys460Glu; replaces lysine 460 with glutamic acid.
Molecular consequence: missense variant. On other transcripts: 5 prime UTR variant (7), non-coding transcript variant (1).
Genome position (GRCh38, 1-based): chr3:57,896,528, A>G. VCF-style: chr3-57896528-A-G. GRCh37 (hg19) VCF-style: chr3-57882255-A-G.
Other names: c.1327A>G, p.Lys443Glu (NM_001304420.3, NM_001377541.1, NM_001377542.1 and 2 more transcripts); c.1213A>G, p.Lys405Glu (NM_001304421.2, NM_001377557.1, NM_001377559.1 and 1 more transcripts); c.-72A>G (NM_001304422.3, NM_001304423.3, NM_001311178.2 and 4 more transcripts); c.1378A>G, p.Lys460Glu (NM_001377538.1, NM_001377539.1, NM_001377555.1); c.1315A>G, p.Lys439Glu (NM_001377545.1, NM_001377922.1); c.1276A>G, p.Lys426Glu (NM_001377549.1, NM_001377923.1, NM_007159.5); c.1264A>G, p.Lys422Glu (NM_001377551.1, NM_001377552.1, NM_001377924.1); short protein forms K405E, K439E, K426E, K443E, K460E, K422E.
Identifiers: ClinVar variation 3320570 (VCV003320570.1).

ClinVar aggregate classification (germline): Uncertain significance (1 of 4 stars; one submission).

Submission:

Ambry Genetics
Classification: Uncertain significance. Last evaluated: 2024-04-07. Review status: criteria provided, single submitter. Criteria: Ambry Variant Classification Scheme 2023. Collection method: clinical testing. Allele origin: germline.
Comment: The p.K426E variant (also known as c.1276A>G), located in coding exon 13 of the SLMAP gene, results from an A to G substitution at nucleotide position 1276. The lysine at codon 426 is replaced by glutamic acid, an amino acid with similar properties. This amino acid position is conserved. In addition, the in silico prediction for this alteration is inconclusive. Based on the available evidence, the clinical significance of this variant remains unclear.